The following is an entry in ClinVar:

NC_000015.10:g.(?_44595249)_(44600642_?)del

Gene: SPG11 (SPG11 vesicle trafficking associated, spatacsin; minus strand). Cytogenetic location: 15q21.1.
Variant type: Deletion.
Identifiers: ClinVar variation 833140 (VCV000833140.1).

ClinVar aggregate classification (germline): Pathogenic (1 of 4 stars; one submission).

Conditions:
Hereditary spastic paraplegia 11. Also called: Spastic paraplegia, mental retardation and thin corpus callosum; Nakamura Osame syndrome; Autosomal recessive hereditary spastic paraplegia, mental impairment, and thin corpus callosum; SPASTIC PARAPLEGIA, AUTOSOMAL RECESSIVE, COMPLICATED, WITH THIN CORPUS CALLOSUM; SPASTIC PARAPLEGIA, AUTOSOMAL RECESSIVE, WITH MENTAL IMPAIRMENT AND THIN CORPUS CALLOSUM; Spastic Paraplegia 11. Identifiers: Orphanet 2822, MedGen C1858479, MONDO:0011445, OMIM 604360.

Submission:

Labcorp Genetics (formerly Invitae), Labcorp
Classification: Pathogenic for Spastic paraplegia 11, autosomal recessive. Last evaluated: 2019-10-02. Review status: criteria provided, single submitter. Criteria: Invitae Variant Classification Sherloc (09022015). Collection method: clinical testing. Allele origin: germline.
Comment: This variant is an out-of-frame deletion of the genomic region encompassing exons 21-26 of the SPG11 gene. This is expected to create a premature translational stop signal and result in an absent or disrupted protein product. This variant has not been reported in the literature in individuals with SPG11-related conditions. Loss-of-function variants in SPG11 are known to be pathogenic (PMID: 19105190, 20110243, 22154821, 26556829). For these reasons, this variant has been classified as Pathogenic.